The following is an entry in ClinVar:

ClinVar aggregate classification (germline): Uncertain significance (1 of 4 stars; one submission).

Conditions:
Late-onset retinal degeneration (LORD). Also called: RETINAL DEGENERATION, LATE-ONSET, AUTOSOMAL DOMINANT. Identifiers: Orphanet 67042, MedGen C1854065, MONDO:0011579, OMIM 605670. Disease mechanism: loss of function.

Submission:

Broad Center for Mendelian Genomics, Broad Institute of MIT and Harvard
Classification: Uncertain significance for Late-onset retinal degeneration. Last evaluated: 2018-12-03. Review status: criteria provided, single submitter. Criteria: ACMG Guidelines, 2015. Collection method: research. Allele origin: de novo. Inheritance: Autosomal recessive inheritance. Affected: yes.
Comment: Trio exome analysis showed this variant to be de novo. The p.Lys187Asn variant in C1QTNF5 has not been previously reported in individuals with late onset retinal degeneration and was absent from large population studies. Computational prediction tools and conservation analyses suggest that this variant may not impact the protein, though this information is not predictive enough to rule out pathogenicity. The presence of this variant in combination with a likely pathogenic variant and in an individual with late onset retinal degredataion increases the likelihood that the p.Lys187Asn variant is pathogenic. In summary, while there is some suspicion for a pathogenic role, the clinical significance of this variant is uncertain. ACMG/AMP Criteria applied: PM2, PS2, PM3_Supporting, BP4 (Richards 2015).

NM_001278431.2(C1QTNF5):c.561G>T (p.Lys187Asn)

Genes: C1QTNF5 (C1q and TNF related 5; minus strand), MFRP (membrane frizzled-related protein; minus strand). Cytogenetic location: 11q23.3.
Variant type: single nucleotide variant.
Coding change: c.561G>T on transcript NM_001278431.2 (MANE Select); coding-DNA position 561, G replaced by T.
Protein change: p.Lys187Asn; replaces lysine 187 with asparagine.
Molecular consequence: missense variant. On other transcripts: 3 prime UTR variant (1).
Genome position (GRCh38, 1-based): chr11:119,339,502, C>A on the plus strand (G>T on the coding strand, the complement: C1QTNF5 is on the minus strand). VCF-style: chr11-119339502-C-A. GRCh37 (hg19) VCF-style: chr11-119210212-C-A.
Other names: c.561G>T, p.Lys187Asn (NM_015645.5); c.*1457G>T (NM_031433.4); short protein forms K187N.
Identifiers: ClinVar variation 813997 (VCV000813997.1), dbSNP rs1591299258, ClinGen allele CA382968508.
Genomic context (GRCh38, chr11:119,339,502, plus strand): 5'-CACCCACACTTGGTCCTCAGGCTCCAGCCTCACCATGGCCCCCCCCGAGAGCGAGGCTGG[C>A]TTGGGCCACCCCCCGAAAAACTGGAAGAAAGAGGCAATGGATTCGCCATTCTTCACCAGA-3'
Protein context (NP_001265360.1, residues 177-197): SFFQFFGGWP[Lys187Asn]PASLSGGAMV